The following is an entry in ClinVar:

NM_000823.4(GHRHR):c.757C>T (p.Pro253Ser)

Gene: GHRHR (growth hormone releasing hormone receptor; plus strand). Cytogenetic location: 7p14.3.
Variant type: single nucleotide variant.
Coding change: c.757C>T on transcript NM_000823.4 (MANE Select); coding-DNA position 757, C replaced by T.
Protein change: p.Pro253Ser; replaces proline 253 with serine.
Molecular consequence: missense variant.
Genome position (GRCh38, 1-based): chr7:30,974,434, C>T. VCF-style: chr7-30974434-C-T. GRCh37 (hg19) VCF-style: chr7-31014049-C-T.
Other names: short protein forms P253S.
Identifiers: ClinVar variation 5007208 (VCV005007208.2).
Genomic context (GRCh38, chr7:30,974,434, plus strand): 5'-TCTCAGAGTCAAGGATGCAGACTCCCTCGCTTGTGTCTTCCCTGTACTCCTGTAGGGCTG[C>T]CCGTGCTCTTCACTGGCACGTGGGTGAGCTGCAAACTGGCCTTCGAGGACATCGCGTGAG-3'
Protein context (NP_000814.2, residues 243-263): WWLVLAGWGL[Pro253Ser]VLFTGTWVSC

ClinVar aggregate classification (germline): Uncertain significance (1 of 4 stars; one submission).

Conditions:
Isolated growth hormone deficiency, type 4. Also called: ISOLATED GROWTH HORMONE DEFICIENCY, TYPE IV; DWARFISM OF SINDH. Identifiers: Orphanet 684247, MedGen C4722273, MONDO:0032567, OMIM 618157.

Submission:

Juno Genomics, Hangzhou Juno Genomics, Inc
Classification: Uncertain significance for Isolated growth hormone deficiency, type 4. Review status: criteria provided, single submitter. Criteria: ACMG Guidelines, 2015. Collection method: clinical testing. Allele origin: germline.
Comment: Absent from controls (or at extremely low frequency if recessive) in Genome Aggregation Database.;Multiple lines of computational evidence support a deleterious effect on the gene or gene product.;For recessive disorders, detected in trans with a pathogenic variant.